The following is an entry in ClinVar:

ClinVar aggregate classification (germline): Uncertain significance. Review status: criteria provided, multiple submitters, no conflicts (2 of 4 stars). 2 submissions from 2 submitters: Uncertain significance (2). Last evaluated 2022-05-05.

Conditions:
Charcot-Marie-Tooth disease type 4. Also called: Charcot-Marie-Tooth, Type 4; Charcot-Marie-Tooth disease, type IV. Identifiers: Orphanet 64749, MedGen C4082197, MONDO:0018995.

Allele frequency attached by ClinVar (database versions not stated): gnomAD exomes below 0.00001; TOPMed below 0.00001; ExAC 0.00001; gnomAD 0.00001.
gnomAD v4.1: 7 of 1,613,410 alleles (0.00043%); highest among the groups gnomAD compares: Non-Finnish European, 0.00059%; no homozygotes.

Submissions (2):

GeneDx
Classification: Uncertain significance. Last evaluated: 2022-05-05. Review status: criteria provided, single submitter. Criteria: GeneDx Variant Classification Process June 2021. Collection method: clinical testing. Allele origin: germline. Affected: yes.
Comment: Not observed at significant frequency in large population cohorts (gnomAD); In silico analysis supports that this missense variant has a deleterious effect on protein structure/function; Has not been previously published as pathogenic or benign to our knowledge; This variant is associated with the following publications: (PMID: 23962696)

Labcorp Genetics (formerly Invitae), Labcorp
Classification: Uncertain significance for Charcot-Marie-Tooth disease type 4. Last evaluated: 2021-08-27. Review status: criteria provided, single submitter. Criteria: Invitae Variant Classification Sherloc (09022015). Collection method: clinical testing. Allele origin: germline.
Comment: This sequence change replaces arginine with glutamine at codon 364 of the MTMR2 protein (p.Arg364Gln). The arginine residue is highly conserved and there is a small physicochemical difference between arginine and glutamine. This variant is present in population databases (rs768976966, ExAC 0.01%). This variant has not been reported in the literature in individuals affected with MTMR2-related conditions. Algorithms developed to predict the effect of missense changes on protein structure and function (SIFT, PolyPhen-2, Align-GVGD) all suggest that this variant is likely to be tolerated. In summary, the available evidence is currently insufficient to determine the role of this variant in disease. Therefore, it has been classified as a Variant of Uncertain Significance.

NM_016156.6(MTMR2):c.1091G>A (p.Arg364Gln)

Gene: MTMR2 (myotubularin related protein 2; minus strand). Cytogenetic location: 11q21.
Variant type: single nucleotide variant.
Coding change: c.1091G>A on transcript NM_016156.6 (MANE Select); coding-DNA position 1091, G replaced by A.
Protein change: p.Arg364Gln; replaces arginine 364 with glutamine.
Molecular consequence: missense variant.
Genome position (GRCh38, 1-based): chr11:95,847,802, C>T on the plus strand (G>A on the coding strand, the complement: MTMR2 is on the minus strand). VCF-style: chr11-95847802-C-T. GRCh37 (hg19) VCF-style: chr11-95580966-C-T.
Other names: c.875G>A, p.Arg292Gln (NM_001243571.2, NM_201278.3, NM_201281.3); short protein forms R292Q, R364Q.
Identifiers: ClinVar variation 1043133 (VCV001043133.7), dbSNP rs768976966, ClinGen allele CA6240103.